The following is an entry in ClinVar:

ClinVar aggregate classification (germline): Uncertain significance. Review status: criteria provided, multiple submitters, no conflicts (2 of 4 stars). 2 submissions from 2 submitters: Uncertain significance (2). Last evaluated 2025-08-29.

Allele frequency attached by ClinVar (database versions not stated): ExAC 0.00014; 1000 Genomes Project 0.00020; ESP Exome Variant Server 0.00022; gnomAD exomes 0.00022; gnomAD 0.00033 and 0.00034; 1000 Genomes Project 30x 0.00016; TOPMed 0.00038.
gnomAD v4.1: 673 of 1,551,702 alleles (0.043%); highest among the groups gnomAD compares: Non-Finnish European, 0.053%; 1 homozygote.

Submissions (2):

Labcorp Genetics (formerly Invitae), Labcorp
Classification: Uncertain significance. Last evaluated: 2025-08-29. Review status: criteria provided, single submitter. Criteria: Invitae Variant Classification Sherloc (09022015). Collection method: clinical testing. Allele origin: germline.
Comment: This sequence change replaces leucine, which is neutral and non-polar, with isoleucine, which is neutral and non-polar, at codon 46 of the CLIC5 protein (p.Leu46Ile). This variant is present in population databases (rs180804785, gnomAD 0.03%). This variant has not been reported in the literature in individuals affected with CLIC5-related conditions. ClinVar contains an entry for this variant (Variation ID: 667218). An algorithm developed to predict the effect of missense changes on protein structure and function (PolyPhen-2) suggests that this variant is likely to be tolerated. In summary, the available evidence is currently insufficient to determine the role of this variant in disease. Therefore, it has been classified as a Variant of Uncertain Significance.

Laboratory for Molecular Medicine, Mass General Brigham Personalized Medicine
Classification: Uncertain significance. Last evaluated: 2019-03-05. Review status: criteria provided, single submitter. Criteria: LMM Criteria. Collection method: clinical testing. Allele origin: germline. Observed: 1 variant allele.
Comment: The p.Leu46Ile variant in CLIC5 has not been previously reported in individuals with hearing loss but has been identified in 0.04% (28/76108) of European chromosomes by gnomAD. Computational prediction tools and conservation analysis suggest that this variant may not impact the protein, though this information is not predictive enough to rule out pathogenicity. In summary, the clinical significance of this variant is uncertain. ACMG/AMP Criteria applied: BP4, PM2_Supporting.

NC_000006.12:g.46080107A>T

Gene: CLIC5 (CLIC family member 5; minus strand). Cytogenetic location: 6p21.1.
Variant type: single nucleotide variant.
Molecular consequence: missense variant (on NM_001114086.2). On other transcripts: intron variant (1).
Genome position: GRCh38 VCF-style: chr6-46080107-A-T. GRCh37 (hg19) VCF-style: chr6-46047844-A-T.
Other names: c.136T>A, p.Leu46Ile (NM_001114086.2, NM_001370650.1); c.-55+49397T>A (NM_001370649.1); short protein forms L46I.
Identifiers: ClinVar variation 667218 (VCV000667218.9), dbSNP rs180804785, ClinGen allele CA3836996.